The following is an entry in ClinVar:

ClinVar aggregate classification (germline): Benign/Likely benign. Review status: criteria provided, multiple submitters, no conflicts (2 of 4 stars). 11 submissions from 9 submitters: Benign (3); Likely benign (6). 2 of the submissions do not count toward it. Last evaluated 2025-06-01.

Conditions:
von Willebrand disease type 1 (VWD1). Also called: VWD, TYPE 1; VON WILLEBRAND DISEASE, TYPE I. Identifiers: Orphanet 166078, Orphanet 903, MedGen C1264039, MONDO:0008668, OMIM 193400. Inheritance: autosomal recessive or autosomal dominant.
von Willebrand disease type 3 (VWD3). Also called: Type 3 Von Willebrand's disease; Type 3 VWD; Von Willebrand disease, severe form; V WD3; VON WILLEBRAND DISEASE, TYPE III. Identifiers: Orphanet 166096, MedGen C1264041, MONDO:0010191, OMIM 277480.
von Willebrand disease type 2 (VWD2). Also called: VWD, TYPE 2; VON WILLEBRAND DISEASE, TYPE II; VON WILLEBRAND DISEASE, TYPE 2A/IIE; VON WILLEBRAND DISEASE, TYPE 2CB. Identifiers: Orphanet 166081, Orphanet 903, MedGen C1264040, MONDO:0013304, OMIM 613554.

Allele frequency attached by ClinVar (database versions not stated): 1000 Genomes Project 0.00060; 1000 Genomes Project 30x 0.00062; TOPMed 0.00095; gnomAD 0.00101 and 0.00103; gnomAD exomes 0.00113 and 0.00176; ExAC 0.00131; ESP Exome Variant Server 0.00131.
gnomAD v4.1: 2,683 of 1,613,908 alleles (0.17%); highest among the groups gnomAD compares: Non-Finnish European, 0.2%; 8 homozygotes.

Submissions (11):

CeGaT Center for Human Genetics Tuebingen
Classification: Likely benign. Last evaluated: 2025-06-01. Review status: criteria provided, single submitter. Criteria: CeGaT Center For Human Genetics Tuebingen Variant Classification Criteria Version 2. Collection method: clinical testing. Allele origin: germline. Affected: yes. Observed: 1 variant allele.
Comment: VWF: BP4, BP7

ARUP Laboratories, Molecular Genetics and Genomics, ARUP Laboratories
Classification: Likely benign. Last evaluated: 2025-02-12. Review status: criteria provided, single submitter. Criteria: ARUP Molecular Germline Variant Investigation Process 2024. Collection method: clinical testing. Allele origin: germline.

Blueprint Genetics
Classification: Likely benign. Last evaluated: 2024-11-12. Review status: criteria provided, single submitter. Criteria: ACMG Guidelines, 2015. Collection method: clinical testing. Allele origin: germline.

Mayo Clinic Laboratories, Mayo Clinic
Classification: Likely benign. Last evaluated: 2023-02-28. Review status: criteria provided, single submitter. Criteria: ACMG Guidelines, 2015. Collection method: clinical testing. Allele origin: germline. Observed: 3 variant alleles.
Comment: BP4, BP7

Genome-Nilou Lab
Classification: Benign for von Willebrand disease type 1. Last evaluated: 2021-12-05. Review status: criteria provided, single submitter. Criteria: ACMG Guidelines, 2015. Collection method: clinical testing. Allele origin: germline. Affected: no.

Genome-Nilou Lab
Classification: Benign for von Willebrand disease type 3. Last evaluated: 2021-12-05. Review status: criteria provided, single submitter. Criteria: ACMG Guidelines, 2015. Collection method: clinical testing. Allele origin: germline. Affected: no.

Genome-Nilou Lab
Classification: Benign for von Willebrand disease type 2. Last evaluated: 2021-12-05. Review status: criteria provided, single submitter. Criteria: ACMG Guidelines, 2015. Collection method: clinical testing. Allele origin: germline. Affected: no.

Quest Diagnostics Nichols Institute San Juan Capistrano
Classification: Likely benign. Last evaluated: 2017-12-06. Review status: criteria provided, single submitter. Criteria: Quest Diagnostics criteria. Collection method: clinical testing. Allele origin: germline.

Breakthrough Genomics
Classification: Likely benign. Review status: criteria provided, single submitter. Criteria: ACMG Guidelines, 2015. Collection method: not provided. Allele origin: germline. Inheritance: Autosomal recessive inheritance. Affected: yes.

Clinical Genetics DNA and cytogenetics Diagnostics Lab, Erasmus MC, Erasmus Medical Center
Classification: Likely benign. Review status: no assertion criteria provided. Collection method: clinical testing. Allele origin: germline. Affected: yes. Study: VKGL Data-share Consensus. Not counted in ClinVar's aggregate classification.

Joint Genome Diagnostic Labs from Nijmegen and Maastricht, Radboudumc and MUMC+
Classification: Likely benign. Review status: no assertion criteria provided. Collection method: clinical testing. Allele origin: germline. Affected: yes. Study: VKGL Data-share Consensus. Not counted in ClinVar's aggregate classification.

NM_000552.5(VWF):c.4443G>T (p.Gly1481=)

Gene: VWF (von Willebrand factor; minus strand). Cytogenetic location: 12p13.31.
Variant type: single nucleotide variant.
Coding change: c.4443G>T on transcript NM_000552.5 (MANE Select); coding-DNA position 4443, G replaced by T.
Protein change: p.Gly1481=; no amino-acid change (glycine 1481 retained).
Molecular consequence: synonymous variant.
Genome position (GRCh38, 1-based): chr12:6,018,975, C>A on the plus strand (G>T on the coding strand, the complement: VWF is on the minus strand). VCF-style: chr12-6018975-C-A. GRCh37 (hg19) VCF-style: chr12-6128141-C-A.
Other names: p.Gly1481=; c.4443G>T (NM_000552.4).
Identifiers: ClinVar variation 440407 (VCV000440407.33), dbSNP rs144796763, ClinGen allele CA6402529.
Genomic context (GRCh38, chr12:6,018,975, plus strand): 5'-GAACGCCACATCCAGAACCATGGAGTTCCTCTTGGGCCCCAGGGTCGAAACCCCCAAGAG[C>A]CCCGGGCCCACAGTGACTTGTGCCATGTCGGGGGGCAGAGTAGGAGGAGGGGCTTCAGGG-3'
Protein context (NP_000543.3, residues 1471-1491): PDMAQVTVGP[Gly1481=]LLGVSTLGPK